The following is an entry in ClinVar:

NM_004415.4(DSP):c.3701dup (p.Asn1234fs)

Gene: DSP (desmoplakin; plus strand). Cytogenetic location: 6p24.3.
Variant type: Duplication.
Coding change: c.3701dup on transcript NM_004415.4 (MANE Select); coding-DNA position 3701, one base duplicated (A; older notation c.3701dupA).
Protein change: p.Asn1234fs; shifts the reading frame from asparagine 1234.
Molecular consequence: frameshift variant. On other transcripts: intron variant (1).
Genome position (GRCh38, 1-based): chr6:7,579,891, A duplicated; the last of 5 consecutive A bases (chr6:7,579,887-7,579,891); duplicating any one gives the same sequence. VCF-style (leftmost placement, unchanged base first): chr6-7579886-C-CA. GRCh37 (hg19) VCF-style: chr6-7580119-C-CA.
Other names: c.3701dup, p.Asn1234fs (NM_001319034.2); c.3582+119dup (NM_001008844.3); c.3701dupA (NM_004415.2); short protein forms N1234fs.
Identifiers: ClinVar variation 4757042 (VCV004757042.2).

ClinVar aggregate classification (germline): Pathogenic. Review status: criteria provided, multiple submitters, no conflicts (2 of 4 stars). 2 submissions from 2 submitters: Pathogenic (2). Last evaluated 2025-12-31.

Conditions:
Cardiovascular phenotype. Identifiers: MedGen CN230736.
Cardiomyopathy (CMYO). Also called: Cardiomyopathies. Identifiers: Orphanet 167848, MedGen C0878544, MONDO:0004994, HP:0001638. Inheritance: Various modes of inheritance.

Submissions (2):

Ambry Genetics
Classification: Pathogenic for Cardiovascular phenotype. Last evaluated: 2025-12-31. Review status: criteria provided, single submitter. Criteria: Ambry Variant Classification Scheme 2023. Collection method: clinical testing. Allele origin: germline.
Comment: The c.3701dupA pathogenic mutation, located in coding exon 23 of the DSP gene, results from a duplication of A at nucleotide position 3701, causing a translational frameshift with a predicted alternate stop codon (p.N1234Kfs*3). This variant was reported in individual(s) with features consistent with DSP-related cardiomyopathy (Gasperetti A et al. Eur Heart J, 2025 Jan;46:362-376). This variant is considered to be rare based on population cohorts in the Genome Aggregation Database (gnomAD). This alteration is expected to result in loss of function by premature protein truncation or nonsense-mediated mRNA decay. As such, this alteration is interpreted as a disease-causing mutation.

Color Diagnostics, LLC DBA Color Health
Classification: Pathogenic for Cardiomyopathy. Last evaluated: 2025-06-18. Review status: criteria provided, single submitter. Criteria: ACMG Guidelines, 2015. Collection method: clinical testing. Allele origin: germline.
Comment: This variant inserts 1 nucleotide in exon 23 of the DSP gene, creating a frameshift and premature translation stop signal. This variant is expected to result in an absent or non-functional protein product. To our knowledge, this variant has not been reported in individuals affected with DSP-related disorders in the literature. This variant has not been identified in the general population by the Genome Aggregation Database (gnomAD). Loss of DSP function is a known mechanism of disease. Based on the available evidence, this variant is classified as Pathogenic.

Literature cited by the submitters: PubMed 39288222 (cited by Ambry Genetics).